The following is an entry in ClinVar:

ClinVar aggregate classification (germline): Conflicting classifications of pathogenicity. Review status: criteria provided, conflicting classifications (1 of 4 stars). 4 submissions from 4 submitters: Uncertain significance (3); Benign (1). Last evaluated 2026-07-22.

Conditions:
Tuberous sclerosis 1 (TSC1). Identifiers: Orphanet 805, MedGen C1854465, MONDO:0008612, OMIM 191100.
Hereditary cancer-predisposing syndrome. Also called: Tumor predisposition; Hereditary neoplastic syndrome; Neoplastic Syndromes, Hereditary; Hereditary Cancer Syndrome. Identifiers: Orphanet 140162, MedGen C0027672, MeSH D009386, MONDO:0015356.
Isolated focal cortical dysplasia type II (FCORD2). Also called: CORTICAL DYSPLASIA OF TAYLOR; Focal cortical dysplasia type II. Identifiers: Orphanet 268994, MedGen C1846385, MONDO:0011818, OMIM 607341, HP:0032051.

Allele frequency attached by ClinVar (database versions not stated): gnomAD exomes below 0.00001.
gnomAD v4.1: 3 of 1,613,910 alleles (0.00019%); highest among the groups gnomAD compares: Non-Finnish European, 0.00025%; no homozygotes.

Submissions (4):

Ambry Genetics
Classification: Uncertain significance for Hereditary cancer-predisposing syndrome. Last evaluated: 2026-07-22. Review status: criteria provided, single submitter. Criteria: Ambry Variant Classification Scheme 2023. Collection method: clinical testing. Allele origin: germline.
Comment: The p.P684R variant (also known as c.2051C>G), located in coding exon 15 of the TSC1 gene, results from a C to G substitution at nucleotide position 2051. The proline at codon 684 is replaced by arginine, an amino acid with dissimilar properties. This variant was detected as heterozygous in individual(s) with no reported features of tuberous sclerosis complex (Ambry internal data). This amino acid position is highly conserved in available vertebrate species. In addition, this alteration is predicted to be deleterious by in silico analysis. Based on the available evidence, the clinical significance of this variant remains unclear.

Labcorp Genetics (formerly Invitae), Labcorp
Classification: Benign for Tuberous sclerosis 1. Last evaluated: 2025-11-05. Review status: criteria provided, single submitter. Criteria: Invitae Variant Classification Sherloc (09022015). Collection method: clinical testing. Allele origin: germline.

Dasa
Classification: Uncertain significance. Last evaluated: 2025-03-11. Review status: criteria provided, single submitter. Criteria: DASA Assertion Criteria. Collection method: clinical testing. Allele origin: germline.
Comment: NM_000368.5(TSC1):c.2051C>G (p.Pro684Arg) is a missense variant that results in the substitution of proline with arginine. This variant is rare in population databases. Computational prediction algorithms are consistent with a deleterious effect. The currently available literature and clinical evidence are not sufficient to establish a definitive association between this variant and the reported condition. Therefore, this variant is classified as a variant of uncertain significance.

Baylor Genetics
Classification: Uncertain significance for Isolated focal cortical dysplasia type II. Last evaluated: 2021-09-20. Review status: criteria provided, single submitter. Criteria: ACMG Guidelines, 2015. Collection method: clinical testing. Allele origin: unknown.

NM_000368.5(TSC1):c.2051C>G (p.Pro684Arg)

Gene: TSC1 (TSC complex subunit 1; minus strand). Cytogenetic location: 9q34.13.
Variant type: single nucleotide variant.
Coding change: c.2051C>G on transcript NM_000368.5 (MANE Select); coding-DNA position 2051, C replaced by G.
Protein change: p.Pro684Arg; replaces proline 684 with arginine.
Molecular consequence: missense variant.
Genome position (GRCh38, 1-based): chr9:132,903,808, G>C on the plus strand (C>G on the coding strand, the complement: TSC1 is on the minus strand). VCF-style: chr9-132903808-G-C. GRCh37 (hg19) VCF-style: chr9-135779195-G-C.
Other names: c.2048C>G, p.Pro683Arg (NM_001162426.2); c.1898C>G, p.Pro633Arg (NM_001162427.2); c.1688C>G, p.Pro563Arg (NM_001362177.2); short protein forms P683R, P684R, P633R, P563R.
Identifiers: ClinVar variation 843140 (VCV000843140.15), dbSNP rs1845511359, ClinGen allele CA375361153.